The following is an entry in ClinVar:

NM_016222.4(DDX41):c.138+4A>G

Gene: DDX41 (DEAD-box helicase 41; minus strand). Cytogenetic location: 5q35.3.
Variant type: single nucleotide variant.
Coding change: c.138+4A>G on transcript NM_016222.4 (MANE Select); 4 bases into the intron after coding-DNA position 138, A replaced by G.
Molecular consequence: intron variant. On other transcripts: 5 prime UTR variant (1).
Genome position (GRCh38, 1-based): chr5:177,516,721, T>C on the plus strand (A>G on the coding strand, the complement: DDX41 is on the minus strand). VCF-style: chr5-177516721-T-C. GRCh37 (hg19) VCF-style: chr5-176943722-T-C.
Other names: c.-514A>G (NM_001321732.2); c.-310+4A>G (NM_001321830.2).
Identifiers: ClinVar variation 4617205 (VCV004617205.1).

ClinVar aggregate classification (germline): Uncertain significance (1 of 4 stars; one submission).

Conditions:
Inborn genetic diseases. Identifiers: MedGen C0950123, MeSH D030342.

Submission:

Ambry Genetics
Classification: Uncertain significance for Inborn genetic diseases. Last evaluated: 2025-12-05. Review status: criteria provided, single submitter. Criteria: Ambry Variant Classification Scheme 2023. Collection method: clinical testing. Allele origin: germline.
Comment: The c.138+4A>G intronic variant results from an A to G substitution 4 nucleotides after coding exon 2 in the DDX41 gene. This nucleotide position is well conserved in available vertebrate species. In silico splice site analysis predicts that this alteration may weaken the native splice donor site. Based on the available evidence, the clinical significance of this variant remains unclear.